The following is an entry in ClinVar:

ClinVar aggregate classification (germline): Uncertain significance (1 of 4 stars; one submission).

Conditions:
Inborn genetic diseases. Identifiers: MedGen C0950123, MeSH D030342.

Submission:

Ambry Genetics
Classification: Uncertain significance for Inborn genetic diseases. Last evaluated: 2026-04-22. Review status: criteria provided, single submitter. Criteria: Ambry Variant Classification Scheme 2023. Collection method: clinical testing. Allele origin: germline.
Comment: The p.G493R variant (also known as c.1477G>C), located in coding exon 7 of the SH2B3 gene, results from a G to C substitution at nucleotide position 1477. The glycine at codon 493 is replaced by arginine, an amino acid with dissimilar properties. This amino acid position is conserved. In addition, this alteration is predicted to be tolerated by in silico analysis. Based on the available evidence, the clinical significance of this variant remains unclear.

NM_005475.3(SH2B3):c.1477G>C (p.Gly493Arg)

Gene: SH2B3 (SH2B adaptor protein 3; plus strand). Cytogenetic location: 12q24.12.
Variant type: single nucleotide variant.
Coding change: c.1477G>C on transcript NM_005475.3 (MANE Select); coding-DNA position 1477, G replaced by C.
Protein change: p.Gly493Arg; replaces glycine 493 with arginine.
Molecular consequence: missense variant.
Genome position (GRCh38, 1-based): chr12:111,448,051, G>C. VCF-style: chr12-111448051-G-C. GRCh37 (hg19) VCF-style: chr12-111885855-G-C.
Other names: c.871G>C, p.Gly291Arg (NM_001291424.1); short protein forms G291R, G493R.
Identifiers: ClinVar variation 4864429 (VCV004864429.1).
Genomic context (GRCh38, chr12:111,448,051, plus strand): 5'-AACACGGTCCTCTTCCCTTTCTCCCTTCCTCACTGGGATTCAGAGTCCCTTCCTCACTGG[G>C]GTTCAGAGTTGGGCCTTCCCCACCTTAGTTCTTCTGGCTGTCCCCGGGGGCTCAGCCCAG-3'
Protein context (NP_005466.1, residues 483-503): HWDSESLPHW[Gly493Arg]SELGLPHLSS